The following is an entry in ClinVar:

NM_000051.4(ATM):c.5381del (p.Leu1794fs)

Gene: ATM (ATM serine/threonine kinase; plus strand). Cytogenetic location: 11q22.3.
Variant type: Deletion.
Coding change: c.5381del on transcript NM_000051.4 (MANE Select); coding-DNA position 5381, one base deleted (T; older notation c.5381delT).
Protein change: p.Leu1794fs; shifts the reading frame from leucine 1794.
Molecular consequence: frameshift variant.
Genome position (GRCh38, 1-based): chr11:108,302,914, T deleted. VCF-style (leftmost placement, unchanged base first): chr11-108302913-CT-C. GRCh37 (hg19) VCF-style: chr11-108173640-CT-C.
Other names: c.5381del, p.Leu1794fs (NM_001351834.2); short protein forms L1794fs.
Identifiers: ClinVar variation 3148835 (VCV003148835.1), dbSNP rs2546979517, ClinGen allele CA2825001899.
Genomic context (GRCh38, chr11:108,302,913, plus strand): 5'-TTTTTAGAAGTACCCAGATTTGACAAAGAAAACCCTTTTGAAGGCCTGGATGATATAAAT[CT>C]GTGGATTCCTCTAAGTGAAAATCATGACATTTGGATAAAGACACTGACTTGTGCTTTTTT-3'

ClinVar aggregate classification (germline): Pathogenic (1 of 4 stars; one submission).

Conditions:
Familial cancer of breast. Also called: BREAST CANCER, FAMILIAL; Hereditary breast cancer; hereditary breast carcinoma. Identifiers: Orphanet 227535, MedGen C0346153, MONDO:0016419, OMIM 114480. Disease mechanism: loss of function.

Submission:

Myriad Genetics, Inc.
Classification: Pathogenic for Familial cancer of breast. Last evaluated: 2024-01-25. Review status: criteria provided, single submitter. Criteria: Myriad Autosomal Dominant, Autosomal Recessive and X-Linked Classification Criteria (2023). Collection method: clinical testing. Allele origin: unknown.
Comment: This variant is considered pathogenic. This variant creates a frameshift predicted to result in premature protein truncation.